The following is an entry in ClinVar:

ClinVar aggregate classification (germline): Likely pathogenic (1 of 4 stars; one submission).

Conditions:
Glycogen storage disease, type VII (GSD7). Also called: MUSCLE PHOSPHOFRUCTOKINASE DEFICIENCY; PFKM DEFICIENCY; TARUI DISEASE; GSD VII. Identifiers: Orphanet 371, MedGen C0017926, MONDO:0009295, OMIM 232800.

Submission:

Natera, Inc.
Classification: Likely pathogenic for Glycogen storage disease type VII. Last evaluated: 2024-05-16. Review status: criteria provided, single submitter. Criteria: Natera Variant Classification Schema (03/2026). Collection method: clinical testing. Allele origin: germline.
Comment: The c.2009del variant in PFKM is a frameshift variant predicted to shift the reading frame beginning at codon 670 and leads to a stop codon 15 codons downstream. This variant is expected to result in nonsense mediated decay, truncation, or a dysfunctional protein product. This variant is rare in the general population with a frequency below the threshold expected for the associated phenotype(s). Given the available evidence, this variant is classified as Likely Pathogenic.

NM_000289.6(PFKM):c.2009del (p.Pro670fs)

Gene: PFKM (phosphofructokinase, muscle; plus strand). Cytogenetic location: 12q13.11.
Variant type: Deletion.
Coding change: c.2009del on transcript NM_000289.6 (MANE Select); coding-DNA position 2009, one base deleted (C; older notation c.2009delC).
Protein change: p.Pro670fs; shifts the reading frame from proline 670.
Molecular consequence: frameshift variant. On other transcripts: non-coding transcript variant (6).
Genome position (GRCh38, 1-based): chr12:48,145,047, C deleted; the last of 4 consecutive C bases (chr12:48,145,044-48,145,047); deleting any one gives the same sequence. VCF-style (leftmost placement, unchanged base first): chr12-48145043-AC-A. GRCh37 (hg19) VCF-style: chr12-48538826-AC-A.
Other names: c.2222del, p.Pro741fs (NM_001166686.2, NM_001354737.1, NM_001354738.1 and 1 more transcripts); c.2009del, p.Pro670fs (NM_001166687.2, NM_001166688.2, NM_001354742.2 and 2 more transcripts); c.2318del, p.Pro773fs (NM_001354735.1, NM_001354736.1); c.2153del, p.Pro718fs (NM_001354740.1); c.2033del, p.Pro678fs (NM_001354741.2); c.1922del, p.Pro641fs (NM_001354745.2); c.1883del, p.Pro628fs (NM_001354746.2); c.1859del, p.Pro620fs (NM_001354747.2, NM_001354748.2); and 2 more; short protein forms P620fs, P628fs, P639fs, P641fs, P670fs, P678fs, P710fs, P718fs.
Identifiers: ClinVar variation 4818136 (VCV004818136.1).
Genomic context (GRCh38, chr12:48,145,043, plus strand): 5'-ACTTCATTAGAGTCCTTCCCTCTGTAATTTTTATGTTTCTTTCTCCAGGGTGGGAGCCCA[AC>A]CCCATTTGATAGGAATTTTGCCACTAAGATGGGCGCCAAGGCTATGAACTGGATGTCTGG-3'